The following is an entry in ClinVar:

NM_177438.3(DICER1):c.1651G>A (p.Gly551Arg)

Gene: DICER1 (dicer 1, ribonuclease III; minus strand). Cytogenetic location: 14q32.13.
Variant type: single nucleotide variant.
Coding change: c.1651G>A on transcript NM_177438.3 (MANE Select); coding-DNA position 1651, G replaced by A.
Protein change: p.Gly551Arg; replaces glycine 551 with arginine.
Molecular consequence: missense variant. On other transcripts: 5 prime UTR variant (1), non-coding transcript variant (6).
Genome position (GRCh38, 1-based): chr14:95,116,554, C>T on the plus strand (G>A on the coding strand, the complement: DICER1 is on the minus strand). VCF-style: chr14-95116554-C-T. GRCh37 (hg19) VCF-style: chr14-95582891-C-T.
Other names: c.1651G>A, p.Gly551Arg (NM_001395678.1, NM_001395679.1, NM_001395680.1 and 12 more transcripts); c.1369G>A, p.Gly457Arg (NM_001395686.1); c.1246G>A, p.Gly416Arg (NM_001395687.1, NM_001395688.1, NM_001395689.1 and 3 more transcripts); c.1084G>A, p.Gly362Arg (NM_001395691.1); c.-33G>A (NM_001395697.1); short protein forms G416R, G551R, G457R, G362R.
Identifiers: ClinVar variation 3720178 (VCV003720178.2).
Genomic context (GRCh38, chr14:95,116,554, plus strand): 5'-TTTTTATTTTGTCTGTATCCGCTAACATTATATAATTAGAGATGGGTGCCCTTGCTCTTC[C>T]TTTAGATTGAACATAGGATCGATATTCTGTGGGCAAATCAAAACGAACCACCAAGTTGCA-3'
Protein context (NP_803187.1, residues 541-561): TEYRSYVQSK[Gly551Arg]RARAPISNYI

ClinVar aggregate classification (germline): Uncertain significance (1 of 4 stars; one submission).

Conditions:
DICER1-related tumor predisposition. Also called: DICER1 syndrome; DICER1-related pleuropulmonary blastoma cancer predisposition syndrome. Identifiers: Orphanet 284343, MedGen C3839822, MONDO:0100216.

Submission:

Labcorp Genetics (formerly Invitae), Labcorp
Classification: Uncertain significance for DICER1-related tumor predisposition. Last evaluated: 2025-01-08. Review status: criteria provided, single submitter. Criteria: Invitae Variant Classification Sherloc (09022015). Collection method: clinical testing. Allele origin: germline.
Comment: This sequence change replaces glycine, which is neutral and non-polar, with arginine, which is basic and polar, at codon 551 of the DICER1 protein (p.Gly551Arg). This variant is not present in population databases (gnomAD no frequency). This variant has not been reported in the literature in individuals affected with DICER1-related conditions. Invitae Evidence Modeling of protein sequence and biophysical properties (such as structural, functional, and spatial information, amino acid conservation, physicochemical variation, residue mobility, and thermodynamic stability) indicates that this missense variant is not expected to disrupt DICER1 protein function with a negative predictive value of 95%. In summary, the available evidence is currently insufficient to determine the role of this variant in disease. Therefore, it has been classified as a Variant of Uncertain Significance.